The following is an entry in ClinVar:

NM_001105206.3(LAMA4):c.5400A>G (p.Gly1800=)

Gene: LAMA4 (laminin subunit alpha 4; minus strand). Cytogenetic location: 6q21.
Variant type: single nucleotide variant.
Coding change: c.5400A>G on transcript NM_001105206.3 (MANE Select); coding-DNA position 5400, A replaced by G.
Protein change: p.Gly1800=; no amino-acid change (glycine 1800 retained).
Molecular consequence: synonymous variant.
Genome position (GRCh38, 1-based): chr6:112,109,509, T>C on the plus strand (A>G on the coding strand, the complement: LAMA4 is on the minus strand). VCF-style: chr6-112109509-T-C. GRCh37 (hg19) VCF-style: chr6-112430712-T-C.
Other names: c.5379A>G (LRG_433t2); c.5379A>G, p.Gly1793= (NM_001105207.3, NM_002290.5).
Identifiers: ClinVar variation 387049 (VCV000387049.11), dbSNP rs782106622, ClinGen allele CA3964720.

ClinVar aggregate classification (germline): Likely benign. Review status: criteria provided, multiple submitters, no conflicts (2 of 4 stars). 3 submissions from 3 submitters: Likely benign (3). Last evaluated 2025-01-01.

Conditions:
Dilated cardiomyopathy 1JJ (CMD1JJ). Identifiers: Orphanet 154, MedGen C3808935, MONDO:0014095, OMIM 615235.
Cardiovascular phenotype. Identifiers: MedGen CN230736.

Allele frequency attached by ClinVar (database versions not stated): gnomAD exomes 0.00002 and 0.00001; gnomAD 0.00001 and below 0.00001; ExAC 0.00002.

Submissions (3):

Labcorp Genetics (formerly Invitae), Labcorp
Classification: Likely benign for Dilated cardiomyopathy 1JJ. Last evaluated: 2025-01-01. Review status: criteria provided, single submitter. Criteria: Invitae Variant Classification Sherloc (09022015). Collection method: clinical testing. Allele origin: germline.

Ambry Genetics
Classification: Likely benign for Cardiovascular phenotype. Last evaluated: 2023-01-15. Review status: criteria provided, single submitter. Criteria: Ambry Variant Classification Scheme 2023. Collection method: clinical testing. Allele origin: germline.

GeneDx
Classification: Likely benign. Last evaluated: 2016-06-16. Review status: criteria provided, single submitter. Criteria: GeneDx Variant Classification (06012015). Collection method: clinical testing. Allele origin: germline. Affected: yes.
Comment: This variant is considered likely benign or benign based on one or more of the following criteria: it is a conservative change, it occurs at a poorly conserved position in the protein, it is predicted to be benign by multiple in silico algorithms, and/or has population frequency not consistent with disease.